The following is an entry in ClinVar:

ClinVar aggregate classification (germline): Pathogenic. Review status: criteria provided, multiple submitters, no conflicts (2 of 4 stars). 2 submissions from 2 submitters: Pathogenic (2). Last evaluated 2026-06-16.

Conditions:
PCSK1-related disorder. Also called: PCSK1-related condition.

gnomAD v4.1: 20 of 1,614,106 alleles (0.0012%); highest among the groups gnomAD compares: Admixed American, 0.0017%; no homozygotes.

Submissions (2):

PreventionGenetics, part of Exact Sciences
Classification: Pathogenic for PCSK1-related condition. Last evaluated: 2026-06-16. Review status: criteria provided, single submitter. Criteria: ACMG Guidelines, 2015. Collection method: clinical testing. Allele origin: germline.
Comment: The PCSK1 c.1029C>G variant is predicted to result in premature protein termination (p.Tyr343*). This variant has been reported in the homozygous state in an individual with obesity (Wabitsch et al. 2022. PubMed ID: 35528826). It was also found in the homozygous state in a child with generalized malabsorptive diarrhea and diabetes insipidus (Yourshaw et al. 2013. PubMed ID: 24280991). In the same study, functional analysis showed that this variant abolishes prohormone convertase 1/3 endoprotease activity. This variant is reported in 0.0029% of alleles in individuals of Latino descent in gnomAD. Nonsense variants in PCSK1 are expected to be pathogenic. Based on these observations, the c.1029C>G variant is classified as pathogenic.

Labcorp Genetics (formerly Invitae), Labcorp
Classification: Pathogenic. Last evaluated: 2024-01-11. Review status: criteria provided, single submitter. Criteria: Invitae Variant Classification Sherloc (09022015). Collection method: clinical testing. Allele origin: germline.
Comment: This sequence change creates a premature translational stop signal (p.Tyr343*) in the PCSK1 gene. It is expected to result in an absent or disrupted protein product. Loss-of-function variants in PCSK1 are known to be pathogenic (PMID: 23562752, 23800642, 24280991, 27391121). This variant is present in population databases (no rsID available, gnomAD 0.003%). This premature translational stop signal has been observed in individual(s) with PCSK1-related conditions (PMID: 24280991). ClinVar contains an entry for this variant (Variation ID: 2203666). Algorithms developed to predict the effect of sequence changes on RNA splicing suggest that this variant may disrupt the consensus splice site. For these reasons, this variant has been classified as Pathogenic.

Literature cited by the submitters: PubMed 23562752 (cited by Labcorp Genetics (formerly Invitae), Labcorp); PubMed 23800642 (cited by Labcorp Genetics (formerly Invitae), Labcorp); PubMed 24280991 (cited by Labcorp Genetics (formerly Invitae), Labcorp); PubMed 27391121 (cited by Labcorp Genetics (formerly Invitae), Labcorp).

NM_000439.5(PCSK1):c.1029C>G (p.Tyr343Ter)

Genes: CAST (calpastatin; plus strand), PCSK1 (proprotein convertase subtilisin/kexin type 1; minus strand), LOC101929710 (uncharacterized LOC101929710; plus strand). Cytogenetic location: 5q15.
Variant type: single nucleotide variant.
Coding change: c.1029C>G on transcript NM_000439.5 (MANE Select); coding-DNA position 1029, C replaced by G.
Protein change: p.Tyr343Ter; replaces tyrosine 343 with a stop codon.
Molecular consequence: nonsense.
Genome position (GRCh38, 1-based): chr5:96,410,840, G>C on the plus strand (C>G on the coding strand, the complement: PCSK1 is on the minus strand). VCF-style: chr5-96410840-G-C. GRCh37 (hg19) VCF-style: chr5-95746544-G-C.
Other names: c.888C>G, p.Tyr296Ter (NM_001177875.2); c.1029C>G (NM_000439.4); short protein forms Y343*, Y296*.
Identifiers: ClinVar variation 2203666 (VCV002203666.5), dbSNP rs145132329, ClinGen allele CA360481376.
Genomic context (GRCh38, chr5:96,410,840, plus strand): 5'-CTGGTCGGTGTAATCTCCGCTGCTGTAAGAGGTGGCCAGTGTGGAGGAGCACTTCTCAGC[G>C]TACCAGGGGGATAGGCCTTGCTGGGAGGCACTGCTGATGGAGATGGTGTAGATGCTGTCT-3'